The following is an entry in ClinVar:

NM_001184880.2(PCDH19):c.150dup (p.Phe51fs)

Gene: PCDH19 (protocadherin 19; minus strand). Cytogenetic location: Xq22.1.
Variant type: Duplication.
Coding change: c.150dup on transcript NM_001184880.2 (MANE Select); coding-DNA position 150, one base duplicated (C; older notation c.150dupC).
Protein change: p.Phe51fs; shifts the reading frame from phenylalanine 51.
Molecular consequence: frameshift variant.
Genome position (GRCh38, 1-based): chrX:100,408,448, G duplicated on the plus strand (C on the coding strand, the reverse complement: PCDH19 is on the minus strand). VCF-style (leftmost placement, unchanged base first): chrX-100408447-A-AG. GRCh37 (hg19) VCF-style: chrX-99663445-A-AG.
Other names: c.150dup, p.Phe51fs (NM_001105243.2, NM_020766.3); short protein forms F51fs.
Identifiers: ClinVar variation 2751572 (VCV002751572.3), dbSNP rs2520997930, ClinGen allele CA2697544634.
Genomic context (GRCh38, chrX:100,408,447, plus strand): 5'-GGTGTGGAGCCGAGTTGGACACCACGCGAAAGGCTGAAGCCTGCCGGGGGTCCAGCGCGA[A>AG]GCCCGCCTCTCGCGCGTCTTTGGCCACGTTGGCAATCACCGTCCCGGCGCGCTGCTCCTC-3'

ClinVar aggregate classification (germline): Pathogenic (1 of 4 stars; one submission).

Conditions:
Developmental and epileptic encephalopathy, 9 (DEE9). Also called: Early infantile epileptic encephalopathy 9; PCDH19-Related X-Linked Female-Limited Epilepsy with Mental Retardation; EPILEPSY, FEMALE-RESTRICTED, WITH MENTAL RETARDATION; JUBERG-HELLMAN SYNDROME. Identifiers: Orphanet 101039, Orphanet 2076, MedGen C1848137, MONDO:0010246, OMIM 300088. Disease mechanism: loss of function.

Submission:

Labcorp Genetics (formerly Invitae), Labcorp
Classification: Pathogenic for Developmental and epileptic encephalopathy, 9. Last evaluated: 2023-08-10. Review status: criteria provided, single submitter. Criteria: Invitae Variant Classification Sherloc (09022015). Collection method: clinical testing. Allele origin: germline.
Comment: For these reasons, this variant has been classified as Pathogenic. This variant has not been reported in the literature in individuals affected with PCDH19-related conditions. This variant is not present in population databases (gnomAD no frequency). This sequence change creates a premature translational stop signal (p.Phe51Leufs*38) in the PCDH19 gene. It is expected to result in an absent or disrupted protein product. Loss-of-function variants in PCDH19 are known to be pathogenic (PMID: 21053371).

Literature cited by the submitters: PubMed 21053371.